The following is an entry in ClinVar:

ClinVar aggregate classification (germline): Uncertain significance (1 of 4 stars; one submission).

Submission:

GeneDx
Classification: Uncertain significance. Last evaluated: 2025-03-28. Review status: criteria provided, single submitter. Criteria: GeneDx Variant Classification Process June 2021. Collection method: clinical testing. Allele origin: germline.
Comment: Not observed at significant frequency in large population cohorts (gnomAD); In silico analysis supports that this missense variant has a deleterious effect on protein structure/function; Has not been previously published as pathogenic or benign to our knowledge

NM_002578.5(PAK3):c.17A>G (p.Asp6Gly)

Gene: PAK3 (p21 (RAC1) activated kinase 3; plus strand). Cytogenetic location: Xq23.
Variant type: single nucleotide variant.
Coding change: c.17A>G on transcript NM_002578.5 (MANE Select); coding-DNA position 17, A replaced by G.
Protein change: p.Asp6Gly; replaces aspartic acid 6 with glycine.
Molecular consequence: missense variant. On other transcripts: non-coding transcript variant (9).
Genome position (GRCh38, 1-based): chrX:111,123,120, A>G. VCF-style: chrX-111123120-A-G. GRCh37 (hg19) VCF-style: chrX-110366348-A-G.
Other names: c.17A>G, p.Asp6Gly (NM_001128166.3, NM_001128167.3, NM_001128168.3 and 12 more transcripts); short protein forms D6G.
Identifiers: ClinVar variation 3363994 (VCV003363994.2).